The following is an entry in ClinVar:

ClinVar aggregate classification (germline): Uncertain significance (1 of 4 stars; one submission).

Conditions:
Immunodeficiency, common variable, 10. Also called: IMMUNODEFICIENCY, COMMON VARIABLE, WITH CENTRAL ADRENAL INSUFFICIENCY; DEFICIT IN ANTERIOR PITUITARY FUNCTION AND VARIABLE IMMUNODEFICIENCY. Identifiers: MedGen C3809991, MONDO:0014260, OMIM 615577.

Submission:

Labcorp Genetics (formerly Invitae), Labcorp
Classification: Uncertain significance for Immunodeficiency, common variable, 10. Last evaluated: 2024-05-12. Review status: criteria provided, single submitter. Criteria: Invitae Variant Classification Sherloc (09022015). Collection method: clinical testing. Allele origin: germline.
Comment: This sequence change falls in intron 4 of the NFKB2 gene. It does not directly change the encoded amino acid sequence of the NFKB2 protein. This variant is not present in population databases (gnomAD no frequency). This variant has not been reported in the literature in individuals affected with NFKB2-related conditions. Algorithms developed to predict the effect of sequence changes on RNA splicing suggest that this variant may disrupt the consensus splice site. In summary, the available evidence is currently insufficient to determine the role of this variant in disease. Therefore, it has been classified as a Variant of Uncertain Significance.

NM_001322934.2(NFKB2):c.145-19del

Gene: NFKB2 (nuclear factor kappa B subunit 2; plus strand). Cytogenetic location: 10q24.32.
Variant type: Deletion.
Coding change: c.145-19del on transcript NM_001322934.2 (MANE Select); 19 bases into the intron before coding-DNA position 145, one base deleted (T; older notation c.145-19delT).
Molecular consequence: intron variant.
Genome position (GRCh38, 1-based): chr10:102,396,706, T deleted. VCF-style (leftmost placement, unchanged base first): chr10-102396705-CT-C. GRCh37 (hg19) VCF-style: chr10-104156462-CT-C.
Other names: c.145-19del (NM_001288724.1, NM_001322935.1, NM_001077494.3 and 2 more transcripts).
Identifiers: ClinVar variation 3684441 (VCV003684441.2).